The following is an entry in ClinVar:

NC_000016.9:g.(?_23619175)_(23625422_?)del

Gene: PALB2 (partner and localizer of BRCA2; minus strand). Cytogenetic location: 16p12.2.
Variant type: Deletion.
Identifiers: ClinVar variation 1066541 (VCV001066541.6).

ClinVar aggregate classification (germline): Likely pathogenic (1 of 4 stars; one submission).

Conditions:
Familial cancer of breast. Also called: hereditary breast carcinoma; Hereditary breast cancer; BREAST CANCER, FAMILIAL. Identifiers: Orphanet 227535, MedGen C0346153, MONDO:0016419, OMIM 114480. Disease mechanism: loss of function.

Submission:

Labcorp Genetics (formerly Invitae), Labcorp
Classification: Likely pathogenic for Familial cancer of breast. Last evaluated: 2022-06-19. Review status: criteria provided, single submitter. Criteria: Invitae Variant Classification Sherloc (09022015). Collection method: clinical testing. Allele origin: germline.
Comment: This variant is a gross deletion of the genomic region encompassing exon(s) 11-12 of the PALB2 gene. This variant would be expected to be in-frame, preserving the integrity of the reading frame. This variant has not been reported in the literature in individuals affected with PALB2-related conditions. This variant disrupts the WD40-like repeats of the PALB2 protein, which are required for interactions with the BRCA2, POLH, and RAD51C proteins (PMID: 24141787, 24485656). While functional studies have not been performed to directly test the effect of this variant on PALB2 protein function, this suggests that disruption of this region of the protein is causative of disease. In summary, the currently available evidence indicates that the variant is pathogenic, but additional data are needed to prove that conclusively. Therefore, this variant has been classified as Likely Pathogenic.

Literature cited by the submitters: PubMed 24141787; PubMed 24485656.